The following is an entry in ClinVar:

NM_198241.3(EIF4G1):c.1475C>T (p.Pro492Leu)

Gene: EIF4G1 (eukaryotic translation initiation factor 4 gamma 1; plus strand). Cytogenetic location: 3q27.1.
Variant type: single nucleotide variant.
Coding change: c.1475C>T on transcript NM_198241.3 (MANE Select); coding-DNA position 1475, C replaced by T.
Protein change: p.Pro492Leu; replaces proline 492 with leucine.
Molecular consequence: missense variant.
Genome position (GRCh38, 1-based): chr3:184,322,059, C>T. VCF-style: chr3-184322059-C-T. GRCh37 (hg19) VCF-style: chr3-184039847-C-T.
Other names: c.1496C>T, p.Pro499Leu (NM_001194946.2, NM_001194947.2); c.1355C>T, p.Pro452Leu (NM_001291157.2); c.887C>T, p.Pro296Leu (NM_004953.5); c.1475C>T, p.Pro492Leu (NM_182917.4); c.983C>T, p.Pro328Leu (NM_198242.3); c.1214C>T, p.Pro405Leu (NM_198244.3); short protein forms P296L, P328L, P405L, P452L, P492L, P499L.
Identifiers: ClinVar variation 3345467 (VCV003345467.1).

ClinVar aggregate classification (germline): Uncertain significance (0 of 4 stars; one submission).

Conditions:
EIF4G1-related disorder. Also called: EIF4G1-related condition.

Submission:

PreventionGenetics, part of Exact Sciences
Classification: Uncertain significance for EIF4G1-related condition. Last evaluated: 2024-05-16. Review status: no assertion criteria provided. Collection method: clinical testing. Allele origin: germline.
Comment: The EIF4G1 c.1475C>T variant is predicted to result in the amino acid substitution p.Pro492Leu. To our knowledge, this variant has not been reported in the literature or in a large population database, indicating this variant is rare. At this time, the clinical significance of this variant is uncertain due to the absence of conclusive functional and genetic evidence.